The following is an entry in ClinVar:

NM_000540.3(RYR1):c.3621G>A (p.Val1207=)

Gene: RYR1 (ryanodine receptor 1; plus strand). Cytogenetic location: 19q13.2.
Variant type: single nucleotide variant.
Coding change: c.3621G>A on transcript NM_000540.3 (MANE Select); coding-DNA position 3621, G replaced by A.
Protein change: p.Val1207=; no amino-acid change (valine 1207 retained).
Molecular consequence: synonymous variant.
Genome position (GRCh38, 1-based): chr19:38,469,369, G>A. VCF-style: chr19-38469369-G-A. GRCh37 (hg19) VCF-style: chr19-38960009-G-A.
Other names: c.3621G>A, p.Val1207= (NM_001042723.2).
Identifiers: ClinVar variation 3071990 (VCV003071990.1), dbSNP rs2514116734, ClinGen allele CA507352975.

ClinVar aggregate classification (germline): Uncertain significance (1 of 4 stars; one submission).

Conditions:
Malignant hyperthermia, susceptibility to, 1 (MHS1). Also called: Anesthesia related hyperthermia; Malignant hyperpyrexia; Fulminating hyperpyrexia; Pharmacogenic myopathy; RYR1-Related Malignant Hyperthermia Susceptibility; Malignant hyperthermia suceptibility 1. Identifiers: Orphanet 423, MedGen C2930980, MONDO:0007783, OMIM 145600.

Submission:

All of Us Research Program, National Institutes of Health
Classification: Uncertain significance for Malignant hyperthermia, susceptibility to, 1. Last evaluated: 2023-06-26. Review status: criteria provided, single submitter. Criteria: ACMG Guidelines, 2015. Collection method: clinical testing. Allele origin: germline. Inheritance: Autosomal dominant inheritance. Observed: 1 variant allele, 1 heterozygote.
Comment: This variant is located in the RYR1 protein. To our knowledge, functional studies have not been reported for this variant. This variant has not been reported in individuals affected with RYR1-related disorders in the literature. This variant has not been identified in the general population by the Genome Aggregation Database (gnomAD). The available evidence is insufficient to determine the role of this variant in disease conclusively. Therefore, this variant is classified as a Variant of Uncertain Significance.

This study involves interpretation of variants in research participants for the purpose of population health screening. Participant phenotype was not available at the time of variant classification. Additional details can be found in publication PMID: 35346344, PMCID: PMC8962531